The following is an entry in ClinVar:

ClinVar aggregate classification (germline): Benign/Likely benign. Review status: criteria provided, multiple submitters, no conflicts (2 of 4 stars). 4 submissions from 4 submitters: Benign (1); Likely benign (3). Last evaluated 2025-02-17.

Conditions:
Hereditary cancer-predisposing syndrome. Also called: Hereditary neoplastic syndrome; Neoplastic Syndromes, Hereditary; Hereditary Cancer Syndrome; Tumor predisposition. Identifiers: Orphanet 140162, MedGen C0027672, MeSH D009386, MONDO:0015356.
Familial cancer of breast. Also called: BREAST CANCER, FAMILIAL; Hereditary breast cancer; hereditary breast carcinoma. Identifiers: Orphanet 227535, MedGen C0346153, MONDO:0016419, OMIM 114480. Disease mechanism: loss of function.

gnomAD v4.1: 1 of 1,614,128 alleles (0.000062%); no homozygotes.

Submissions (4):

Labcorp Genetics (formerly Invitae), Labcorp
Classification: Likely benign for Familial cancer of breast. Last evaluated: 2025-02-17. Review status: criteria provided, single submitter. Criteria: Invitae Variant Classification Sherloc (09022015). Collection method: clinical testing. Allele origin: germline.

Myriad Genetics, Inc.
Classification: Benign for Familial cancer of breast. Last evaluated: 2025-01-17. Review status: criteria provided, single submitter. Criteria: Myriad Autosomal Dominant, Autosomal Recessive and X-Linked Classification Criteria (2023). Collection method: clinical testing. Allele origin: unknown.
Comment: This variant is considered benign. This variant is a silent/synonymous amino acid change and it is not expected to impact splicing.

Color Diagnostics, LLC DBA Color Health
Classification: Likely benign for Hereditary cancer-predisposing syndrome. Last evaluated: 2023-12-05. Review status: criteria provided, single submitter. Criteria: ACMG Guidelines, 2015. Collection method: clinical testing. Allele origin: germline.

Ambry Genetics
Classification: Likely benign for Hereditary cancer-predisposing syndrome. Last evaluated: 2021-07-19. Review status: criteria provided, single submitter. Criteria: Ambry Variant Classification Scheme 2023. Collection method: clinical testing. Allele origin: germline.

NM_024675.4(PALB2):c.2733C>A (p.Thr911=)

Gene: PALB2 (partner and localizer of BRCA2; minus strand). Cytogenetic location: 16p12.2.
Variant type: single nucleotide variant.
Coding change: c.2733C>A on transcript NM_024675.4 (MANE Select); coding-DNA position 2733, C replaced by A.
Protein change: p.Thr911=; no amino-acid change (threonine 911 retained).
Molecular consequence: synonymous variant.
Genome position (GRCh38, 1-based): chr16:23,626,251, G>T on the plus strand (C>A on the coding strand, the complement: PALB2 is on the minus strand). VCF-style: chr16-23626251-G-T. GRCh37 (hg19) VCF-style: chr16-23637572-G-T.
Identifiers: ClinVar variation 530220 (VCV000530220.19), dbSNP rs1555459927, ClinGen allele CA494161172.